The following is an entry in ClinVar:

NM_000183.3(HADHB):c.725A>G (p.Asp242Gly)

Gene: HADHB (hydroxyacyl-CoA dehydrogenase trifunctional multienzyme complex subunit beta; plus strand). Cytogenetic location: 2p23.3.
Variant type: single nucleotide variant.
Coding change: c.725A>G on transcript NM_000183.3 (MANE Select); coding-DNA position 725, A replaced by G.
Protein change: p.Asp242Gly; replaces aspartic acid 242 with glycine.
Molecular consequence: missense variant.
Genome position (GRCh38, 1-based): chr2:26,279,229, A>G. VCF-style: chr2-26279229-A-G. GRCh37 (hg19) VCF-style: chr2-26502097-A-G.
Other names: c.680A>G, p.Asp227Gly (NM_001281512.2); c.659A>G, p.Asp220Gly (NM_001281513.2); short protein forms D220G, D227G, D242G.
Identifiers: ClinVar variation 3339681 (VCV003339681.2).

ClinVar aggregate classification (germline): Conflicting classifications of pathogenicity. Review status: criteria provided, conflicting classifications (1 of 4 stars). 2 submissions from 2 submitters: Likely pathogenic (1); Uncertain significance (1). Last evaluated 2024-06-09.

Conditions:
Mitochondrial trifunctional protein deficiency 2 (MTPD2). Identifiers: MedGen C5830374, MONDO:0958185, OMIM 620300.

gnomAD v4.1: 4 of 1,613,422 alleles (0.00025%); highest among the groups gnomAD compares: Non-Finnish European, 0.00025%; no homozygotes.

Submissions (2):

Fulgent Genetics
Classification: Likely pathogenic for Mitochondrial trifunctional protein deficiency 2. Last evaluated: 2024-06-09. Review status: criteria provided, single submitter. Criteria: ACMG Guidelines, 2015. Collection method: clinical testing. Allele origin: germline.

Women's Health and Genetics/Laboratory Corporation of America, LabCorp
Classification: Uncertain significance. Last evaluated: 2024-06-07. Review status: criteria provided, single submitter. Criteria: LabCorp Variant Classification Summary - May 2015. Collection method: clinical testing. Allele origin: germline.
Comment: Variant summary: HADHB c.725A>G (p.Asp242Gly) results in a non-conservative amino acid change located in the Thiolase, N-terminal domain (Thiolase, N-terminal) of the encoded protein sequence. Five of five in-silico tools predict a damaging effect of the variant on protein function. The variant was absent in 251394 control chromosomes. The available data on variant occurrences in the general population are insufficient to allow any conclusion about variant significance. c.725A>G has been reported in the literature in trans with a missense variant in an individual affected with clinical features of Mitochondrial Trifunctional Protein Deficiency (Spiekerkoetter_2003). This report does not provide unequivocal conclusions about association of the variant with Mitochondrial Trifunctional Protein Deficiency. To our knowledge, no experimental evidence demonstrating an impact on protein function has been reported. The following publication have been ascertained in the context of this evaluation (PMID: 12754706). No submitters have cited clinical-significance assessments for this variant to ClinVar. Based on the evidence outlined above, the variant was classified as uncertain significance.

Literature cited by the submitters: PubMed 12754706 (cited by Women's Health and Genetics/Laboratory Corporation of America, LabCorp).